The following is an entry in ClinVar:

NM_001040108.2(MLH3):c.4016T>C (p.Leu1339Pro)

Gene: MLH3 (mutL homolog 3; minus strand). Cytogenetic location: 14q24.3.
Variant type: single nucleotide variant.
Coding change: c.4016T>C on transcript NM_001040108.2 (MANE Select); coding-DNA position 4016, T replaced by C.
Protein change: p.Leu1339Pro; replaces leucine 1339 with proline.
Molecular consequence: missense variant.
Genome position (GRCh38, 1-based): chr14:75,022,888, A>G on the plus strand (T>C on the coding strand, the complement: MLH3 is on the minus strand). VCF-style: chr14-75022888-A-G. GRCh37 (hg19) VCF-style: chr14-75489591-A-G.
Other names: c.3944T>C, p.Leu1315Pro (NM_014381.3); short protein forms L1315P, L1339P.
Identifiers: ClinVar variation 1737065 (VCV001737065.3), dbSNP rs776703991, ClinGen allele CA7275247.
Genomic context (GRCh38, chr14:75,022,888, plus strand): 5'-GATGCCAACACCTTCTGGACAGTCAGTGGCAATGTCCCTTGGATGCCTCCGGTGGTCTGG[A>G]GTAGCTAATGCATAAACACGTTATTAACAGGAAAAGAAAACGGAACAACGAAGCCTTTTA-3'
Protein context (NP_001035197.1, residues 1329-1349): EEFIREQLEL[Leu1339Pro]QTTGGIQGTL

ClinVar aggregate classification (germline): Uncertain significance (1 of 4 stars; one submission).

Allele frequency attached by ClinVar (database versions not stated): gnomAD exomes below 0.00001; ExAC 0.00001.
gnomAD v4.1: 4 of 1,614,110 alleles (0.00025%); highest among the groups gnomAD compares: South Asian, 0.0022%; no homozygotes.

Submission:

Ambry Genetics
Classification: Uncertain significance. Last evaluated: 2025-08-08. Review status: criteria provided, single submitter. Criteria: Ambry Variant Classification Scheme 2023. Collection method: clinical testing. Allele origin: germline.
Comment: The p.L1339P variant (also known as c.4016T>C), located in coding exon 10 of the MLH3 gene, results from a T to C substitution at nucleotide position 4016. The leucine at codon 1339 is replaced by proline, an amino acid with similar properties. This amino acid position is conserved. In addition, this alteration is predicted to be deleterious by in silico analysis. Since supporting evidence is limited at this time, the clinical significance of this alteration remains unclear.